The following is an entry in ClinVar:

ClinVar aggregate classification (germline): Likely benign. Review status: criteria provided, multiple submitters, no conflicts (2 of 4 stars). 4 submissions from 4 submitters: Likely benign (3). 1 of the submissions does not count toward it. Last evaluated 2026-01-26.

Conditions:
RTTN-related disorder. Also called: RTTN-related condition.

Allele frequency attached by ClinVar (database versions not stated): gnomAD exomes 0.00003 and 0.00004; ExAC 0.00006; gnomAD 0.00006 and 0.00007; TOPMed 0.00006.
gnomAD v4.1: 71 of 1,613,958 alleles (0.0044%); highest among the groups gnomAD compares: Middle Eastern, 0.13%; no homozygotes.

Submissions (4):

Labcorp Genetics (formerly Invitae), Labcorp
Classification: Likely benign. Last evaluated: 2026-01-26. Review status: criteria provided, single submitter. Criteria: Invitae Variant Classification Sherloc (09022015). Collection method: clinical testing. Allele origin: germline.

Blueprint Genetics
Classification: Likely benign. Last evaluated: 2024-11-18. Review status: criteria provided, single submitter. Criteria: ACMG Guidelines, 2015. Collection method: clinical testing. Allele origin: germline.

CeGaT Center for Human Genetics Tuebingen
Classification: Likely benign. Last evaluated: 2024-06-01. Review status: criteria provided, single submitter. Criteria: CeGaT Center For Human Genetics Tuebingen Variant Classification Criteria Version 2. Collection method: clinical testing. Allele origin: germline. Affected: yes. Observed: 2 variant alleles.
Comment: RTTN: BP4, BP7

PreventionGenetics, part of Exact Sciences
Classification: Likely benign for RTTN-related condition. Last evaluated: 2019-03-20. Review status: no assertion criteria provided. Collection method: clinical testing. Allele origin: germline. Not counted in ClinVar's aggregate classification.
Comment: This variant is classified as likely benign based on ACMG/AMP sequence variant interpretation guidelines (Richards et al. 2015 PMID: 25741868, with internal and published modifications).

NM_173630.4(RTTN):c.5904A>G (p.Gln1968=)

Gene: RTTN (rotatin; minus strand). Cytogenetic location: 18q22.2.
Variant type: single nucleotide variant.
Coding change: c.5904A>G on transcript NM_173630.4 (MANE Select); coding-DNA position 5904, A replaced by G.
Protein change: p.Gln1968=; no amino-acid change (glutamine 1968 retained).
Molecular consequence: synonymous variant.
Genome position (GRCh38, 1-based): chr18:70,024,768, T>C on the plus strand (A>G on the coding strand, the complement: RTTN is on the minus strand). VCF-style: chr18-70024768-T-C. GRCh37 (hg19) VCF-style: chr18-67692004-T-C.
Other names: c.3168A>G, p.Gln1056= (NM_001318520.2); c.5904A>G (NM_173630.3).
Identifiers: ClinVar variation 1335312 (VCV001335312.41), dbSNP rs773824712, ClinGen allele CA8994816.
Genomic context (GRCh38, chr18:70,024,768, plus strand): 5'-TTGGATCCTATTACCATTTGGAAAATTTGCAGTATAGACACAAAGGAGCTGCAGAGAAAT[T>C]TGCATCAATGAATCATCCATCAAAATCCAAGGCCAGAGAGAGTGCAAGACAGGGACAAGG-3'
Protein context (NP_775901.3, residues 1958-1978): PWILMDDSLM[Gln1968=]ISLQLLCVYT